The following is an entry in ClinVar:

ClinVar aggregate classification (germline): Likely benign (1 of 4 stars; one submission).

gnomAD v4.1: 12 of 1,614,058 alleles (0.00074%); highest among the groups gnomAD compares: Middle Eastern, 0.033%; no homozygotes.

Submission:

CeGaT Center for Human Genetics Tuebingen
Classification: Likely benign. Last evaluated: 2025-04-01. Review status: criteria provided, single submitter. Criteria: CeGaT Center For Human Genetics Tuebingen Variant Classification Criteria Version 2. Collection method: clinical testing. Allele origin: germline. Affected: yes. Observed: 1 variant allele.
Comment: UNC5C: BP4, BP7

NM_003728.4(UNC5C):c.1374C>T (p.Asp458=)

Genes: UNC5C (unc-5 netrin receptor C; minus strand), LOC126807113 (CDK7 strongly-dependent group 2 enhancer GRCh37_chr4:96140095-96141294; plus strand). Cytogenetic location: 4q22.3.
Variant type: single nucleotide variant.
Coding change: c.1374C>T on transcript NM_003728.4 (MANE Select); coding-DNA position 1374, C replaced by T.
Protein change: p.Asp458=; no amino-acid change (aspartic acid 458 retained).
Molecular consequence: synonymous variant.
Genome position (GRCh38, 1-based): chr4:95,219,240, G>A on the plus strand (C>T on the coding strand, the complement: UNC5C is on the minus strand). VCF-style: chr4-95219240-G-A. GRCh37 (hg19) VCF-style: chr4-96140391-G-A.
Identifiers: ClinVar variation 3898189 (VCV003898189.7).
Genomic context (GRCh38, chr4:95,219,240, plus strand): 5'-TTTCAGGTTGGGCAGTGGATCCAGAATTGGAGAGTTGGTCATTGGGATTTTGTCTGAGAC[G>A]TCATGCAGGGCATAGACAGGTCCTCTGTACATGGCTGCAGCTGACGTGAGGTCTGGGGGT-3'
Protein context (NP_003719.3, residues 448-468): MYRGPVYALH[Asp458=]VSDKIPMTNS